The following is an entry in ClinVar:

NM_000552.5(VWF):c.7730-2del

Gene: VWF (von Willebrand factor; minus strand). Cytogenetic location: 12p13.31.
Variant type: Deletion.
Coding change: c.7730-2del on transcript NM_000552.5 (MANE Select); the canonical splice acceptor site of the intron before coding-DNA position 7730, one base deleted (A; older notation c.7730-2delA).
Molecular consequence: splice acceptor variant.
Genome position (GRCh38, 1-based): chr12:5,968,169, T deleted on the plus strand (A on the coding strand, the reverse complement: VWF is on the minus strand). VCF-style (leftmost placement, unchanged base first): chr12-5968168-CT-C. GRCh37 (hg19) VCF-style: chr12-6077334-CT-C.
Other names: p.?; c.7730-2del (NM_000552.4).
Identifiers: ClinVar variation 2428691 (VCV002428691.4), dbSNP rs1055962685, ClinGen allele CA232280504.

ClinVar aggregate classification (germline): Pathogenic/Likely pathogenic. Review status: criteria provided, multiple submitters, no conflicts (2 of 4 stars). 2 submissions from 2 submitters: Pathogenic (1); Likely pathogenic (1). Last evaluated 2025-07-25.

Allele frequency attached by ClinVar (database versions not stated): TOPMed below 0.00001; gnomAD 0.00001.

Submissions (2):

Mayo Clinic Laboratories, Mayo Clinic
Classification: Pathogenic. Last evaluated: 2025-07-25. Review status: criteria provided, single submitter. Criteria: ACMG Guidelines, 2015. Collection method: clinical testing. Allele origin: germline. Observed: 1 variant allele.
Comment: PM2_supporting, PM3, PS4, PVS1_strong

ARUP Laboratories, Molecular Genetics and Genomics, ARUP Laboratories
Classification: Likely pathogenic. Last evaluated: 2022-06-07. Review status: criteria provided, single submitter. Criteria: ARUP Molecular Germline Variant Investigation Process 2021. Collection method: clinical testing. Allele origin: germline.
Comment: The VWF c.7730-2del variant (rs1055962685), to our knowledge, is not reported in the medical literature or gene specific databases. This variant is also absent from the Genome Aggregation Database, indicating it is not a common polymorphism. This variant disrupts the canonical splice acceptor site of intron 45, which is likely to negatively impact gene function. Based on available information, this variant is considered to be likely pathogenic.

Literature cited by the submitters: PubMed 35343054 (cited by Mayo Clinic Laboratories, Mayo Clinic).